The following is an entry in ClinVar:

NM_206933.4(USH2A):c.7325G>C (p.Arg2442Thr)

Gene: USH2A (usherin; minus strand). Cytogenetic location: 1q41.
Variant type: single nucleotide variant.
Coding change: c.7325G>C on transcript NM_206933.4 (MANE Select); coding-DNA position 7325, G replaced by C.
Protein change: p.Arg2442Thr; replaces arginine 2442 with threonine.
Molecular consequence: missense variant.
Genome position (GRCh38, 1-based): chr1:215,900,881, C>G on the plus strand (G>C on the coding strand, the complement: USH2A is on the minus strand). VCF-style: chr1-215900881-C-G. GRCh37 (hg19) VCF-style: chr1-216074223-C-G.
Other names: short protein forms R2442T.
Identifiers: ClinVar variation 1349293 (VCV001349293.5), dbSNP rs1367430538, ClinGen allele CA344850398.

ClinVar aggregate classification (germline): Uncertain significance (1 of 4 stars; one submission).

Allele frequency attached by ClinVar (database versions not stated): TOPMed below 0.00001; gnomAD 0.00001; gnomAD exomes 0.00001.
gnomAD v4.1: 11 of 1,613,488 alleles (0.00068%); highest among the groups gnomAD compares: Non-Finnish European, 0.00093%; 1 homozygote.

Submission:

Labcorp Genetics (formerly Invitae), Labcorp
Classification: Uncertain significance. Last evaluated: 2022-01-06. Review status: criteria provided, single submitter. Criteria: Invitae Variant Classification Sherloc (09022015). Collection method: clinical testing. Allele origin: germline.
Comment: This variant has not been reported in the literature in individuals affected with USH2A-related conditions. This sequence change replaces arginine, which is basic and polar, with threonine, which is neutral and polar, at codon 2442 of the USH2A protein (p.Arg2442Thr). This variant is not present in population databases (gnomAD no frequency). Algorithms developed to predict the effect of missense changes on protein structure and function (SIFT, PolyPhen-2, Align-GVGD) all suggest that this variant is likely to be disruptive. In summary, the available evidence is currently insufficient to determine the role of this variant in disease. Therefore, it has been classified as a Variant of Uncertain Significance.